The following is an entry in ClinVar:

NM_001366900.1(TTC21A):c.1198A>C (p.Ile400Leu)

Gene: TTC21A (tetratricopeptide repeat domain 21A; plus strand). Cytogenetic location: 3p22.2.
Variant type: single nucleotide variant.
Coding change: c.1198A>C on transcript NM_001366900.1 (MANE Select); coding-DNA position 1198, A replaced by C.
Protein change: p.Ile400Leu; replaces isoleucine 400 with leucine.
Molecular consequence: missense variant. On other transcripts: non-coding transcript variant (3).
Genome position (GRCh38, 1-based): chr3:39,125,338, A>C. VCF-style: chr3-39125338-A-C. GRCh37 (hg19) VCF-style: chr3-39166829-A-C.
Other names: c.1075A>C, p.Ile359Leu (NM_001105513.3); c.1222A>C, p.Ile408Leu (NM_001366899.1, NM_145755.3); short protein forms I359L, I400L, I408L.
Identifiers: ClinVar variation 3184146 (VCV003184146.7), dbSNP rs201539091, ClinGen allele CA2324328.
Genomic context (GRCh38, chr3:39,125,338, plus strand): 5'-ACCAAATCTGCCCAGGCTGACATTGGCACTGAGACTCGGTCCTCTCTTCCACAGGTGCTA[A>C]TTTTCCTCCAAGCCCTCCTGATGTCCAGGAAGCACAAGGGGGAGGAAGAGACCACAGCGC-3'
Protein context (NP_001353829.1, residues 390-410): QKSLGKSEVL[Ile400Leu]FLQALLMSRK

ClinVar aggregate classification (germline): Uncertain significance. Review status: criteria provided, multiple submitters, no conflicts (2 of 4 stars). 2 submissions from 2 submitters: Uncertain significance (2). Last evaluated 2025-11-03.

Allele frequency attached by ClinVar (database versions not stated): TOPMed 0.00002; gnomAD 0.00003; gnomAD exomes 0.00003; ExAC 0.00005.
gnomAD v4.1: 46 of 1,613,714 alleles (0.0029%); highest among the groups gnomAD compares: Non-Finnish European, 0.0038%; no homozygotes.

Submissions (2):

Ambry Genetics
Classification: Uncertain significance. Last evaluated: 2025-11-03. Review status: criteria provided, single submitter. Criteria: Ambry Variant Classification Scheme 2023. Collection method: clinical testing. Allele origin: germline.

CeGaT Center for Human Genetics Tuebingen
Classification: Uncertain significance. Last evaluated: 2025-10-01. Review status: criteria provided, single submitter. Criteria: CeGaT Center For Human Genetics Tuebingen Variant Classification Criteria Version 2. Collection method: clinical testing. Allele origin: germline. Affected: yes. Observed: 1 variant allele.
Comment: TTC21A: PM2, BP4